The following is an entry in ClinVar:

ClinVar aggregate classification (germline): Uncertain significance. Review status: criteria provided, multiple submitters, no conflicts (2 of 4 stars). 2 submissions from 2 submitters: Uncertain significance (2). Last evaluated 2026-09-11.

Conditions:
Arrhythmogenic cardiomyopathy with wooly hair and keratoderma. Also called: Arrhythmogenic cardiomyopathy with woolly hair and keratoderma; PALMOPLANTAR KERATODERMA WITH LEFT VENTRICULAR CARDIOMYOPATHY AND WOOLLY HAIR; Carvajal syndrome; Dilated cardiomyopathy with woolly hair and keratoderma. Identifiers: Orphanet 65282, MedGen C1854063, MONDO:0011581, OMIM 605676.
Arrhythmogenic right ventricular dysplasia 8 (ARVD8). Also called: Arrhythmogenic Right Ventricular Dysplasia/Cardiomyopathy 8; ARRHYTHMOGENIC RIGHT VENTRICULAR DYSPLASIA, FAMILIAL, 8; ARRHYTHMOGENIC RIGHT VENTRICULAR CARDIOMYOPATHY 8. Identifiers: MedGen C1843896, MONDO:0011831, OMIM 607450.
Cardiovascular phenotype. Identifiers: MedGen CN230736.

Submissions (2):

Ambry Genetics
Classification: Uncertain significance for Cardiovascular phenotype. Last evaluated: 2026-09-11. Review status: criteria provided, single submitter. Criteria: Ambry Variant Classification Scheme 2023. Collection method: clinical testing. Allele origin: germline.
Comment: The p.K2564N variant (also known as c.7692A>C), located in coding exon 24 of the DSP gene, results from an A to C substitution at nucleotide position 7692. The lysine at codon 2564 is replaced by asparagine, an amino acid with similar properties. This amino acid position is conserved. In addition, this alteration is predicted to be tolerated by in silico analysis. Based on the available evidence, the clinical significance of this variant remains unclear.

Labcorp Genetics (formerly Invitae), Labcorp
Classification: Uncertain significance for Arrhythmogenic cardiomyopathy with wooly hair and keratoderma; Arrhythmogenic right ventricular dysplasia 8. Last evaluated: 2025-01-01. Review status: criteria provided, single submitter. Criteria: Invitae Variant Classification Sherloc (09022015). Collection method: clinical testing. Allele origin: germline.
Comment: This sequence change replaces lysine, which is basic and polar, with asparagine, which is neutral and polar, at codon 2564 of the DSP protein (p.Lys2564Asn). This variant is not present in population databases (gnomAD no frequency). This variant has not been reported in the literature in individuals affected with DSP-related conditions. An algorithm developed to predict the effect of missense changes on protein structure and function (PolyPhen-2) suggests that this variant is likely to be disruptive. In summary, the available evidence is currently insufficient to determine the role of this variant in disease. Therefore, it has been classified as a Variant of Uncertain Significance.

NM_004415.4(DSP):c.7692A>C (p.Lys2564Asn)

Gene: DSP (desmoplakin; plus strand). Cytogenetic location: 6p24.3.
Variant type: single nucleotide variant.
Coding change: c.7692A>C on transcript NM_004415.4 (MANE Select); coding-DNA position 7692, A replaced by C.
Protein change: p.Lys2564Asn; replaces lysine 2564 with asparagine.
Molecular consequence: missense variant.
Genome position (GRCh38, 1-based): chr6:7,584,954, A>C. VCF-style: chr6-7584954-A-C. GRCh37 (hg19) VCF-style: chr6-7585187-A-C.
Other names: c.5895A>C, p.Lys1965Asn (NM_001008844.3); c.6363A>C, p.Lys2121Asn (NM_001319034.2); short protein forms K1965N, K2121N, K2564N.
Identifiers: ClinVar variation 3760568 (VCV003760568.4).
Genomic context (GRCh38, chr6:7,584,954, plus strand): 5'-TGATCAGTACCGATCCGGCAGCCTCAGCCTCACTCAATTTGCTGACATGATCTCCTTGAA[A>C]AATGGTGTCGGCACCAGCAGCAGCATGGGCAGTGGTGTCAGCGATGATGTTTTTAGCAGC-3'
Protein context (NP_004406.2, residues 2554-2574): LTQFADMISL[Lys2564Asn]NGVGTSSSMG